The following is an entry in ClinVar:

NM_001103.4(ACTN2):c.1406+18C>T

Gene: ACTN2 (actinin alpha 2; plus strand). Cytogenetic location: 1q43.
Variant type: single nucleotide variant.
Coding change: c.1406+18C>T on transcript NM_001103.4 (MANE Select); 18 bases into the intron after coding-DNA position 1406, C replaced by T.
Molecular consequence: intron variant.
Genome position (GRCh38, 1-based): chr1:236,744,794, C>T. VCF-style: chr1-236744794-C-T. GRCh37 (hg19) VCF-style: chr1-236908094-C-T.
Other names: c.782+18C>T (NM_001278344.2); c.1406+18C>T (NM_001278343.2).
Identifiers: ClinVar variation 391246 (VCV000391246.9), dbSNP rs571362372, ClinGen allele CA16603535.

ClinVar aggregate classification (germline): Likely benign. Review status: criteria provided, multiple submitters, no conflicts (2 of 4 stars). 2 submissions from 2 submitters: Likely benign (2). Last evaluated 2024-07-30.

Conditions:
Dilated cardiomyopathy 1AA (CMD1AA). Also called: Cardiomyopathy, dilated, 1AA, with or without LVNC; CARDIOMYOPATHY, DILATED, 1AA, WITH OR WITHOUT LEFT VENTRICULAR NONCOMPACTION; CARDIOMYOPATHY, FAMILIAL HYPERTROPHIC, 23, WITH OR WITHOUT LEFT VENTRICULAR NONCOMPACTION. Identifiers: Orphanet 154, MedGen C2677338, MONDO:0012808, OMIM 612158.
Primary familial hypertrophic cardiomyopathy (HCM). Identifiers: Orphanet 99739, MedGen C0949658, MeSH D024741, MONDO:0024573. Inheritance: Various modes of inheritance.

Submissions (2):

Labcorp Genetics (formerly Invitae), Labcorp
Classification: Likely benign for Primary familial hypertrophic cardiomyopathy; Dilated cardiomyopathy 1AA. Last evaluated: 2024-07-30. Review status: criteria provided, single submitter. Criteria: Invitae Variant Classification Sherloc (09022015). Collection method: clinical testing. Allele origin: germline.

GeneDx
Classification: Likely benign. Last evaluated: 2016-11-28. Review status: criteria provided, single submitter. Criteria: GeneDx Variant Classification (06012015). Collection method: clinical testing. Allele origin: germline. Affected: yes.
Comment: This variant is considered likely benign or benign based on one or more of the following criteria: it is a conservative change, it occurs at a poorly conserved position in the protein, it is predicted to be benign by multiple in silico algorithms, and/or has population frequency not consistent with disease.